The following is an entry in ClinVar:

NM_012088.3(PGLS):c.31G>A (p.Val11Met)

Genes: PGLS (6-phosphogluconolactonase; plus strand), PGLS-DT (PGLS divergent transcript; minus strand). Cytogenetic location: 19p13.11.
Variant type: single nucleotide variant.
Coding change: c.31G>A on transcript NM_012088.3 (MANE Select); coding-DNA position 31, G replaced by A.
Protein change: p.Val11Met; replaces valine 11 with methionine.
Molecular consequence: missense variant. On other transcripts: non-coding transcript variant (1).
Genome position (GRCh38, 1-based): chr19:17,511,703, G>A. VCF-style: chr19-17511703-G-A. GRCh37 (hg19) VCF-style: chr19-17622512-G-A.
Other names: p.Val11Met; short protein forms V11M.
Identifiers: ClinVar variation 2346594 (VCV002346594.4), dbSNP rs368232818, ClinGen allele CA9295798.

ClinVar aggregate classification (germline): Uncertain significance. Review status: criteria provided, multiple submitters, no conflicts (2 of 4 stars). 2 submissions from 2 submitters: Uncertain significance (2). Last evaluated 2025-04-03.

Allele frequency attached by ClinVar (database versions not stated): 1000 Genomes Project 0.00060; ESP Exome Variant Server 0.00040; 1000 Genomes Project 30x 0.00094; ExAC 0.00081.
gnomAD v4.1: 3,374 of 1,509,386 alleles (0.22%); highest among the groups gnomAD compares: Non-Finnish European, 0.27%; 9 homozygotes.

Submissions (2):

Mayo Clinic Laboratories, Mayo Clinic
Classification: Uncertain significance. Last evaluated: 2025-04-03. Review status: criteria provided, single submitter. Criteria: ACMG Guidelines, 2015. Collection method: clinical testing. Allele origin: germline. Observed: 1 variant allele.
Comment: BP4, PM2_supporting

Ambry Genetics
Classification: Uncertain significance. Last evaluated: 2025-03-04. Review status: criteria provided, single submitter. Criteria: Ambry Variant Classification Scheme 2023. Collection method: clinical testing. Allele origin: germline.